The following is an entry in ClinVar:

ClinVar aggregate classification (germline): Uncertain significance. Review status: criteria provided, multiple submitters, no conflicts (2 of 4 stars). 4 submissions from 4 submitters: Uncertain significance (4). Last evaluated 2025-09-18.

Conditions:
Inborn genetic diseases. Identifiers: MedGen C0950123, MeSH D030342.
Autosomal recessive spinocerebellar ataxia 20. Identifiers: Orphanet 397709, MedGen C5190595, MONDO:0014601, OMIM 616354.

Allele frequency attached by ClinVar (database versions not stated): gnomAD 0.00043; TOPMed 0.00034; 1000 Genomes Project 30x 0.00016; 1000 Genomes Project 0.00020; ESP Exome Variant Server 0.00046; ExAC 0.00027; gnomAD exomes 0.00052.
gnomAD v4.1: 812 of 1,613,586 alleles (0.05%); highest among the groups gnomAD compares: Non-Finnish European, 0.065%; 1 homozygote.

Submissions (4):

Mayo Clinic Laboratories, Mayo Clinic
Classification: Uncertain significance. Last evaluated: 2025-09-18. Review status: criteria provided, single submitter. Criteria: ACMG Guidelines, 2015. Collection method: clinical testing. Allele origin: germline. Observed: 1 variant allele.
Comment: BP4_moderate

Fulgent Genetics
Classification: Uncertain significance for Autosomal recessive spinocerebellar ataxia 20. Last evaluated: 2024-06-07. Review status: criteria provided, single submitter. Criteria: ACMG Guidelines, 2015. Collection method: clinical testing. Allele origin: germline.

Labcorp Genetics (formerly Invitae), Labcorp
Classification: Uncertain significance. Last evaluated: 2022-09-13. Review status: criteria provided, single submitter. Criteria: Invitae Variant Classification Sherloc (09022015). Collection method: clinical testing. Allele origin: germline.
Comment: This sequence change replaces lysine, which is basic and polar, with glutamic acid, which is acidic and polar, at codon 110 of the SNX14 protein (p.Lys110Glu). This variant is present in population databases (rs145124112, gnomAD 0.07%). This variant has not been reported in the literature in individuals affected with SNX14-related conditions. Advanced modeling of protein sequence and biophysical properties (such as structural, functional, and spatial information, amino acid conservation, physicochemical variation, residue mobility, and thermodynamic stability) performed at Invitae indicates that this missense variant is not expected to disrupt SNX14 protein function. In summary, the available evidence is currently insufficient to determine the role of this variant in disease. Therefore, it has been classified as a Variant of Uncertain Significance.

Ambry Genetics
Classification: Uncertain significance for Inborn genetic diseases. Last evaluated: 2021-05-16. Review status: criteria provided, single submitter. Criteria: Ambry Variant Classification Scheme 2023. Collection method: clinical testing. Allele origin: germline.

NM_153816.6(SNX14):c.328A>G (p.Lys110Glu)

Gene: SNX14 (sorting nexin 14; minus strand). Cytogenetic location: 6q14.3.
Variant type: single nucleotide variant.
Coding change: c.328A>G on transcript NM_153816.6 (MANE Select); coding-DNA position 328, A replaced by G.
Protein change: p.Lys110Glu; replaces lysine 110 with glutamic acid.
Molecular consequence: missense variant. On other transcripts: 5 prime UTR variant (9), non-coding transcript variant (6).
Genome position (GRCh38, 1-based): chr6:85,572,308, T>C on the plus strand (A>G on the coding strand, the complement: SNX14 is on the minus strand). VCF-style: chr6-85572308-T-C. GRCh37 (hg19) VCF-style: chr6-86282026-T-C.
Other names: p.Lys110Glu; c.328A>G, p.Lys110Glu (NM_001297614.3, NM_001350536.2, NM_001350538.2 and 3 more transcripts); c.172A>G, p.Lys58Glu (NM_001304479.2, NM_001350542.2, NM_001350544.2); c.391A>G, p.Lys131Glu (NM_001350532.2); c.325A>G, p.Lys109Glu (NM_001350533.2, NM_001350534.2, NM_001350535.2 and 1 more transcripts); c.169A>G, p.Lys57Glu (NM_001350539.2, NM_001350543.2); c.-739A>G (NM_001350551.2); c.-856A>G (NM_001350552.2); and 4 more; short protein forms K109E, K110E, K58E, K131E, K57E.
Identifiers: ClinVar variation 2078427 (VCV002078427.4), dbSNP rs145124112, ClinGen allele CA3912481.
Genomic context (GRCh38, chr6:85,572,308, plus strand): 5'-AATCCAAATGTAATTAGAAGGATCAACAAATAAAAAAATATTTAACTTACCTATGTCGTT[T>C]ACATTTCACTTTACCACAAACAGCACAGCTATGACCTTGAGGAAATAATTCCTGAAGTCC-3'
Protein context (NP_722523.1, residues 100-120): SCAVCGKVKC[Lys110Glu]RHRPSLLLEN